The following is an entry in ClinVar:

NM_006015.6(ARID1A):c.4016A>G (p.Tyr1339Cys)

Gene: ARID1A (AT-rich interaction domain 1A; plus strand). Cytogenetic location: 1p36.11.
Variant type: single nucleotide variant.
Coding change: c.4016A>G on transcript NM_006015.6 (MANE Select); coding-DNA position 4016, A replaced by G.
Protein change: p.Tyr1339Cys; replaces tyrosine 1339 with cysteine.
Molecular consequence: missense variant.
Genome position (GRCh38, 1-based): chr1:26,773,813, A>G. VCF-style: chr1-26773813-A-G. GRCh37 (hg19) VCF-style: chr1-27100304-A-G.
Other names: c.4016A>G, p.Tyr1339Cys (NM_139135.4); short protein forms Y1339C.
Identifiers: ClinVar variation 2776856 (VCV002776856.4), dbSNP rs1004080670, ClinGen allele CA19809644.

ClinVar aggregate classification (germline): Uncertain significance. Review status: criteria provided, multiple submitters, no conflicts (2 of 4 stars). 2 submissions from 2 submitters: Uncertain significance (2). Last evaluated 2025-08-31.

Conditions:
Inborn genetic diseases. Identifiers: MedGen C0950123, MeSH D030342.

Allele frequency attached by ClinVar (database versions not stated): TOPMed below 0.00001; gnomAD 0.00001.
gnomAD v4.1: 2 of 1,613,930 alleles (0.00012%); highest among the groups gnomAD compares: African/African-American, 0.0013%; no homozygotes.

Submissions (2):

Ambry Genetics
Classification: Uncertain significance for Inborn genetic diseases. Last evaluated: 2025-08-31. Review status: criteria provided, single submitter. Criteria: Ambry Variant Classification Scheme 2023. Collection method: clinical testing. Allele origin: germline.

Labcorp Genetics (formerly Invitae), Labcorp
Classification: Uncertain significance. Last evaluated: 2023-02-14. Review status: criteria provided, single submitter. Criteria: Invitae Variant Classification Sherloc (09022015). Collection method: clinical testing. Allele origin: germline.
Comment: This sequence change replaces tyrosine, which is neutral and polar, with cysteine, which is neutral and slightly polar, at codon 1339 of the ARID1A protein (p.Tyr1339Cys). This variant is not present in population databases (gnomAD no frequency). This variant has not been reported in the literature in individuals affected with ARID1A-related conditions. Advanced modeling of protein sequence and biophysical properties (such as structural, functional, and spatial information, amino acid conservation, physicochemical variation, residue mobility, and thermodynamic stability) performed at Invitae indicates that this missense variant is not expected to disrupt ARID1A protein function. In summary, the available evidence is currently insufficient to determine the role of this variant in disease. Therefore, it has been classified as a Variant of Uncertain Significance.